The following is an entry in ClinVar:

ClinVar aggregate classification (germline): Uncertain significance (1 of 4 stars; one submission).

Allele frequency attached by ClinVar (database versions not stated): TOPMed 0.00002.
gnomAD v4.1: 3 of 1,613,452 alleles (0.00019%); highest among the groups gnomAD compares: African/African-American, 0.0027%; no homozygotes.

Submission:

Labcorp Genetics (formerly Invitae), Labcorp
Classification: Uncertain significance. Last evaluated: 2025-03-31. Review status: criteria provided, single submitter. Criteria: Invitae Variant Classification Sherloc (09022015). Collection method: clinical testing. Allele origin: germline.
Comment: This sequence change replaces valine, which is neutral and non-polar, with leucine, which is neutral and non-polar, at codon 43 of the USH1C protein (p.Val43Leu). This variant is present in population databases (no rsID available, gnomAD 0.0009%). This variant has not been reported in the literature in individuals affected with USH1C-related conditions. ClinVar contains an entry for this variant (Variation ID: 1038360). An algorithm developed to predict the effect of missense changes on protein structure and function (PolyPhen-2) suggests that this variant is likely to be disruptive. In summary, the available evidence is currently insufficient to determine the role of this variant in disease. Therefore, it has been classified as a Variant of Uncertain Significance.

NM_153676.4(USH1C):c.127G>T (p.Val43Leu)

Gene: USH1C (USH1 protein network component harmonin; minus strand). Cytogenetic location: 11p15.1.
Variant type: single nucleotide variant.
Coding change: c.127G>T on transcript NM_153676.4 (MANE Select); coding-DNA position 127, G replaced by T.
Protein change: p.Val43Leu; replaces valine 43 with leucine.
Molecular consequence: missense variant. On other transcripts: non-coding transcript variant (1).
Genome position (GRCh38, 1-based): chr11:17,531,520, C>A on the plus strand (G>T on the coding strand, the complement: USH1C is on the minus strand). VCF-style: chr11-17531520-C-A. GRCh37 (hg19) VCF-style: chr11-17553067-C-A.
Other names: c.127G>T, p.Val43Leu (NM_001297764.2, NM_005709.4); short protein forms V43L.
Identifiers: ClinVar variation 1038360 (VCV001038360.8), dbSNP rs145500807, ClinGen allele CA379798717.